The following is an entry in ClinVar:

ClinVar aggregate classification (germline): Benign/Likely benign. Review status: criteria provided, multiple submitters, no conflicts (2 of 4 stars). 4 submissions from 2 submitters: Benign (3); Likely benign (1). Last evaluated 2026-01-12.

Conditions:
Neuropathy, hereditary sensory and autonomic, type 2A (HSAN2A). Also called: MORVAN DISEASE; NEUROPATHY, CONGENITAL SENSORY; NEUROPATHY, HEREDITARY SENSORY RADICULAR, AUTOSOMAL RECESSIVE; NEUROPATHY, HEREDITARY SENSORY, TYPE IIA; NEUROPATHY, PROGRESSIVE SENSORY, OF CHILDREN; HSAN IIA. Identifiers: Orphanet 970, MedGen C2752089, MONDO:0024309, OMIM 201300.
Generalized epilepsy with febrile seizures plus, type 7 (GEFSP7). Also called: GEFS+, TYPE 7. Identifiers: Orphanet 36387, MedGen C2751778, MONDO:0013470, OMIM 613863.
Paroxysmal extreme pain disorder (PEXPD). Also called: PAIN, SUBMANDIBULAR, OCULAR, AND RECTAL, WITH FLUSHING; RECTAL PAIN, FAMILIAL; SCN9A Paroxysmal Extreme Pain Disorder (SCN9A-PEPD). Identifiers: Orphanet 46348, MedGen C1833661, MONDO:0008179, OMIM 167400.
Channelopathy-associated congenital insensitivity to pain, autosomal recessive. Also called: Insensitivity to pain, channelopathy-associated; ASYMBOLIA FOR PAIN; CONGENITAL ANALGESIA, AUTOSOMAL RECESSIVE. Identifiers: Orphanet 88642, Orphanet 970, MedGen C1855739, MONDO:0009459, OMIM 243000.
Primary erythromelalgia. Also called: SCN9A Erythromelalgia (SCN9A-EM); primary erythermalgia. Identifiers: Orphanet 306577, Orphanet 90026, MedGen C0014805, MONDO:0007571, OMIM 133020.

Allele frequency attached by ClinVar (database versions not stated): gnomAD 0.00011 and 0.00013; TOPMed 0.00017; 1000 Genomes Project 30x 0.00031; gnomAD exomes 0.00044; ExAC 0.00052.
gnomAD v4.1: 144 of 1,374,750 alleles (0.01%); highest among the groups gnomAD compares: East Asian, 0.34%; no homozygotes.

Submissions (4):

Labcorp Genetics (formerly Invitae), Labcorp
Classification: Benign for Neuropathy, hereditary sensory and autonomic, type 2A; Generalized epilepsy with febrile seizures plus, type 7. Last evaluated: 2026-01-12. Review status: criteria provided, single submitter. Criteria: Invitae Variant Classification Sherloc (09022015). Collection method: clinical testing. Allele origin: germline.

Illumina Laboratory Services, Illumina
Classification: Benign for Primary erythromelalgia. Last evaluated: 2018-01-13. Review status: criteria provided, single submitter. Criteria: ICSL Variant Classification Criteria 13 December 2019. Collection method: clinical testing. Allele origin: germline.
Comment: This variant was observed in the ICSL laboratory as part of a predisposition screen in an ostensibly healthy population. It had not been previously curated by ICSL or reported in the Human Gene Mutation Database (HGMD: prior to June 1st, 2018), and was therefore a candidate for classification through an automated scoring system. Utilizing variant allele frequency, disease prevalence and penetrance estimates, and inheritance mode, an automated score was calculated to assess if this variant is too frequent to cause the disease. Based on the score and internal cut-off values, a variant classified as benign is not then subjected to further curation. The score for this variant resulted in a classification of benign for this disease.

Illumina Laboratory Services, Illumina
Classification: Likely benign for Channelopathy-associated congenital insensitivity to pain, autosomal recessive. Last evaluated: 2018-01-13. Review status: criteria provided, single submitter. Criteria: ICSL Variant Classification Criteria 13 December 2019. Collection method: clinical testing. Allele origin: germline.
Comment: This variant was observed in the ICSL laboratory as part of a predisposition screen in an ostensibly healthy population. It had not been previously curated by ICSL or reported in the Human Gene Mutation Database (HGMD: prior to June 1st, 2018), and was therefore a candidate for classification through an automated scoring system. Utilizing variant allele frequency, disease prevalence and penetrance estimates, and inheritance mode, an automated score was calculated to assess if this variant is too frequent to cause the disease. Based on the score and internal cut-off values, a variant classified as likely benign is not then subjected to further curation. The score for this variant resulted in a classification of likely benign for this disease.

Illumina Laboratory Services, Illumina
Classification: Benign for Paroxysmal extreme pain disorder. Last evaluated: 2018-01-13. Review status: criteria provided, single submitter. Criteria: ICSL Variant Classification Criteria 13 December 2019. Collection method: clinical testing. Allele origin: germline.
Comment: the same text as in the submission from Illumina Laboratory Services, Illumina above.

NM_001365536.1(SCN9A):c.2875-6A>G

Genes: SCN1A-AS1 (SCN1A and SCN9A antisense RNA 1; plus strand), SCN9A (sodium voltage-gated channel alpha subunit 9; minus strand). Cytogenetic location: 2q24.3.
Variant type: single nucleotide variant.
Coding change: c.2875-6A>G on transcript NM_001365536.1 (MANE Select); 6 bases into the intron before coding-DNA position 2875, A replaced by G.
Molecular consequence: intron variant.
Genome position (GRCh38, 1-based): chr2:166,272,881, T>C on the plus strand (A>G on the coding strand, the complement: SCN9A is on the minus strand). VCF-style: chr2-166272881-T-C. GRCh37 (hg19) VCF-style: chr2-167129391-T-C.
Other names: c.2842-6A>G (NM_002977.4).
Identifiers: ClinVar variation 331977 (VCV000331977.13), dbSNP rs760470229, ClinGen allele CA1944171.